The following is an entry in ClinVar:

ClinVar aggregate classification (germline): Conflicting classifications of pathogenicity. Review status: criteria provided, conflicting classifications (1 of 4 stars). 4 submissions from 4 submitters: Uncertain significance (2); Benign (1). 1 of the submissions does not count toward it. Last evaluated 2026-09-17.

Conditions:
Metachromatic leukodystrophy (MLD). Also called: ARSA DEFICIENCY; Arylsulfatase A Deficiency; Cerebral sclerosis diffuse metachromatic form; METACHROMATIC LEUKOENCEPHALOPATHY; CEREBROSIDE SULFATASE DEFICIENCY; SULFATIDE LIPIDOSIS. Identifiers: Orphanet 512, MedGen C0023522, MONDO:0018868, OMIM 250100.

Allele frequency attached by ClinVar (database versions not stated): TOPMed 0.00012; gnomAD exomes 0.00115 and 0.00274; 1000 Genomes Project 30x 0.00156; 1000 Genomes Project 0.00200; ExAC 0.00243; gnomAD 0.00251 and 0.00261.

Submissions (4):

Laboratory of Experimental Gene Therapy of Hereditary Metabolic Diseases, Research Centre for Medical Genetics
Classification: Uncertain significance for Metachromatic leukodystrophy. Last evaluated: 2026-09-17. Review status: criteria provided, single submitter. Criteria: ARSA MLD Assertion Criteria V2 2026 09 18. Collection method: clinical testing. Allele origin: germline. Inheritance: Autosomal recessive inheritance. Observed: 1 variant allele, 1 homozygote.
Comment: Reassessed under ACMG/AMP 2015 with ClinGen SVI refinements and a Bayesian point framework (supporting=1, moderate=2, strong=4, very strong=8; 6-9 points=likely pathogenic; >=10 points=pathogenic). Final score: 4. Evidence applied: PP3_Strong. Observations from the present referral series were excluded from classification.

Labcorp Genetics (formerly Invitae), Labcorp
Classification: Benign for Metachromatic leukodystrophy. Last evaluated: 2026-01-27. Review status: criteria provided, single submitter. Criteria: Invitae Variant Classification Sherloc (09022015). Collection method: clinical testing. Allele origin: germline.

Illumina Laboratory Services, Illumina
Classification: Uncertain significance for Metachromatic leukodystrophy. Last evaluated: 2018-01-12. Review status: criteria provided, single submitter. Criteria: ICSL Variant Classification Criteria 13 December 2019. Collection method: clinical testing. Allele origin: germline.

Natera, Inc.
Classification: Benign for Metachromatic leukodystrophy. Last evaluated: 2020-03-14. Review status: no assertion criteria provided. Collection method: clinical testing. Allele origin: germline. Not counted in ClinVar's aggregate classification.

NM_000487.6(ARSA):c.659C>T (p.Pro220Leu)

Gene: ARSA (arylsulfatase A; minus strand). Cytogenetic location: 22q13.33.
Variant type: single nucleotide variant.
Coding change: c.659C>T on transcript NM_000487.6 (MANE Select); coding-DNA position 659, C replaced by T.
Protein change: p.Pro220Leu; replaces proline 220 with leucine.
Molecular consequence: missense variant.
Genome position (GRCh38, 1-based): chr22:50,626,859, G>A on the plus strand (C>T on the coding strand, the complement: ARSA is on the minus strand). VCF-style: chr22-50626859-G-A. GRCh37 (hg19) VCF-style: chr22-51065287-G-A.
Other names: NP_000478.3:p.(Pro220Leu); c.659C>T, p.Pro220Leu (NM_001085425.3, NM_001085426.3, NM_001085427.3); c.401C>T, p.Pro134Leu (NM_001085428.3, NM_001362782.2); short protein forms P220L, P134L.
Identifiers: ClinVar variation 342237 (VCV000342237.22), dbSNP rs201251634, ClinGen allele CA10324952.
Genomic context (GRCh38, chr22:50,626,859, plus strand): 5'-ACGGGCAGCCAGGGGGTTGGGCCAAGATCACTTACGTGAGAGGCATAGTACAGGAAGAAG[G>A]GGCGATCCTGGCGCTGGGCGTCGGCCATGAGGTCATGGGCGAAAGCCATGTAGCGGGCCT-3'
Protein context (NP_000478.3, residues 210-230): LMADAQRQDR[Pro220Leu]FFLYYASHHT